The following is an entry in ClinVar:

ClinVar aggregate classification (germline): Uncertain significance (1 of 4 stars; one submission).

Allele frequency attached by ClinVar (database versions not stated): gnomAD exomes below 0.00001 and 0.00001; ExAC 0.00001; TOPMed 0.00001.
gnomAD v4.1: 2 of 1,207,062 alleles (0.00017%); highest among the groups gnomAD compares: Admixed American, 0.0043%; no homozygotes.

Submission:

Labcorp Genetics (formerly Invitae), Labcorp
Classification: Uncertain significance. Last evaluated: 2021-06-20. Review status: criteria provided, single submitter. Criteria: Invitae Variant Classification Sherloc (09022015). Collection method: clinical testing. Allele origin: germline.
Comment: In summary, the available evidence is currently insufficient to determine the role of this variant in disease. Therefore, it has been classified as a Variant of Uncertain Significance. Algorithms developed to predict the effect of missense changes on protein structure and function are either unavailable or do not agree on the potential impact of this missense change (SIFT: "Tolerated"; PolyPhen-2: "Not Available"; Align-GVGD: "Class C0"). This variant has not been reported in the literature in individuals with GRIA3-related conditions. This variant is present in population databases (rs781094406, ExAC 0.01%). This sequence change replaces glutamine with lysine at codon 4 of the GRIA3 protein (p.Gln4Lys). The glutamine residue is weakly conserved and there is a small physicochemical difference between glutamine and lysine.

NM_007325.5(GRIA3):c.10C>A (p.Gln4Lys)

Gene: GRIA3 (glutamate ionotropic receptor AMPA type subunit 3; plus strand). Cytogenetic location: Xq25.
Variant type: single nucleotide variant.
Coding change: c.10C>A on transcript NM_007325.5 (MANE Select); coding-DNA position 10, C replaced by A.
Protein change: p.Gln4Lys; replaces glutamine 4 with lysine.
Molecular consequence: missense variant.
Genome position (GRCh38, 1-based): chrX:123,184,545, C>A. VCF-style: chrX-123184545-C-A. GRCh37 (hg19) VCF-style: chrX-122318397-C-A.
Other names: c.10C>A, p.Gln4Lys (NM_000828.5, NM_001256743.2); short protein forms Q4K.
Identifiers: ClinVar variation 1362816 (VCV001362816.8), dbSNP rs781094406, ClinGen allele CA10506802.